The following is an entry in ClinVar:

ClinVar aggregate classification (germline): Uncertain significance. Review status: criteria provided, multiple submitters, no conflicts (2 of 4 stars). 2 submissions from 2 submitters: Uncertain significance (2). Last evaluated 2026-04-11.

Conditions:
Autism spectrum disorder. Also called: Autism spectrum disorders. Identifiers: MedGen C1510586, MeSH D000067877, MONDO:0005258.

Submissions (2):

GeneDx
Classification: Uncertain significance. Last evaluated: 2026-04-11. Review status: criteria provided, single submitter. Criteria: GeneDx Variant Classification Process June 2021. Collection method: clinical testing. Allele origin: germline.
Comment: Not observed at significant frequency in large population cohorts (gnomAD); In silico analysis suggests that this missense variant does not alter protein structure/function; Has not been previously published as pathogenic or benign to our knowledge

Department of Genetics, Rouen University Hospital, Normandy Center for Genomic and Personalized Medicine
Classification: Uncertain significance for Autism spectrum disorder. Last evaluated: 2020-11-24. Review status: criteria provided, single submitter. Criteria: ACMG Guidelines, 2015. Collection method: clinical testing. Allele origin: maternal. Affected: yes.

NM_153252.5(BRWD3):c.4510G>A (p.Glu1504Lys)

Gene: BRWD3 (bromodomain and WD repeat domain containing 3; minus strand). Cytogenetic location: Xq21.1.
Variant type: single nucleotide variant.
Coding change: c.4510G>A on transcript NM_153252.5 (MANE Select); coding-DNA position 4510, G replaced by A.
Protein change: p.Glu1504Lys; replaces glutamic acid 1504 with lysine.
Molecular consequence: missense variant.
Genome position (GRCh38, 1-based): chrX:80,681,485, C>T on the plus strand (G>A on the coding strand, the complement: BRWD3 is on the minus strand). VCF-style: chrX-80681485-C-T. GRCh37 (hg19) VCF-style: chrX-79936984-C-T.
Other names: short protein forms E1504K.
Identifiers: ClinVar variation 2430042 (VCV002430042.3), dbSNP rs2520208519, ClinGen allele CA413608726.